The following is an entry in ClinVar:

NM_001267550.2(TTN):c.89491A>G (p.Lys29831Glu)

Genes: TTN (titin; minus strand), TTN-AS1 (TTN antisense RNA 1; plus strand). Cytogenetic location: 2q31.2.
Variant type: single nucleotide variant.
Coding change: c.89491A>G on transcript NM_001267550.2 (MANE Select); coding-DNA position 89491, A replaced by G.
Protein change: p.Lys29831Glu; replaces lysine 29831 with glutamic acid.
Molecular consequence: missense variant.
Genome position (GRCh38, 1-based): chr2:178,553,514, T>C on the plus strand (A>G on the coding strand, the complement: TTN is on the minus strand). VCF-style: chr2-178553514-T-C. GRCh37 (hg19) VCF-style: chr2-179418241-T-C.
Other names: c.84568A>G, p.Lys28190Glu (NM_001256850.1); c.62296A>G, p.Lys20766Glu (NM_003319.4); c.81787A>G, p.Lys27263Glu (NM_133378.4); c.62671A>G, p.Lys20891Glu (NM_133432.3); c.62872A>G, p.Lys20958Glu (NM_133437.4); short protein forms K29831E, K20891E, K27263E, K28190E, K20766E, K20958E.
Identifiers: ClinVar variation 440368 (VCV000440368.13), dbSNP rs774632104, ClinGen allele CA1987920.

ClinVar aggregate classification (germline): Uncertain significance. Review status: criteria provided, multiple submitters, no conflicts (2 of 4 stars). 5 submissions from 5 submitters: Uncertain significance (5). Last evaluated 2026-06-24.

Conditions:
TTN-related disorder. Also called: TTN-related disorders; TTN-related condition; TTN-related disease.
Cardiovascular phenotype. Identifiers: MedGen CN230736.
Myopathy, myofibrillar, 9, with early respiratory failure (MFM9). Also called: EDSTROM MYOPATHY; Hereditary myopathy with early respiratory failure; Myopathy, distal, with early respiratory failure, autosomal dominant; MYOPATHY, PROXIMAL, WITH EARLY RESPIRATORY MUSCLE INVOLVEMENT. Identifiers: Orphanet 178464, Orphanet 34521, MedGen C1863599, MONDO:0011362, OMIM 603689.
Autosomal recessive limb-girdle muscular dystrophy type 2J (LGMDR10). Also called: Limb-girdle muscular dystrophy, type 2J; MUSCULAR DYSTROPHY, LIMB-GIRDLE, AUTOSOMAL RECESSIVE 10. Identifiers: Orphanet 140922, MedGen C1837342, MONDO:0012127, OMIM 608807.
Dilated cardiomyopathy 1G (CMD1G). Identifiers: Orphanet 154, MedGen C1858763, MONDO:0011400, OMIM 604145.
Hypertrophic cardiomyopathy 9. Also called: Familial hypertrophic cardiomyopathy 9. Identifiers: MedGen C1861065, MONDO:0013412, OMIM 613765.
Tibial muscular dystrophy (TMD). Also called: UDD MYOPATHY; Udd Distal Myopathy – Tibial Muscular Dystrophy; Tibial muscular dystrophy, tardive. Identifiers: Orphanet 609, MedGen C1838244, MONDO:0010870, OMIM 600334.
Early-onset myopathy with fatal cardiomyopathy (CMYO5). Also called: Salih Myopathy; CONGENITAL MYOPATHY 5 WITH CARDIOMYOPATHY. Identifiers: Orphanet 289377, MedGen C2673677, MONDO:0012714, OMIM 611705. Disease mechanism: loss of function.

Allele frequency attached by ClinVar (database versions not stated): ExAC 0.00003; gnomAD exomes 0.00003 and 0.00007; TOPMed 0.00003; gnomAD 0.00004 and 0.00005.
gnomAD v4.1: 103 of 1,610,204 alleles (0.0064%); highest among the groups gnomAD compares: East Asian, 0.071%; no homozygotes.

Submissions (5):

PreventionGenetics, part of Exact Sciences
Classification: Uncertain significance for TTN-related condition. Last evaluated: 2026-06-24. Review status: criteria provided, single submitter. Criteria: ACMG Guidelines, 2015. Collection method: clinical testing. Allele origin: germline.
Comment: The TTN c.89491A>G variant is predicted to result in the amino acid substitution p.Lys29831Glu. This variant has been reported as uncertain in an individual with hypertrophic cardiomyopathy who also had a pathogenic variant in MYBPC3 (referred to as c.81787A>G, p.Lys27263Glu from transcript NM_133378 in Supplementary Table 2, Mademont-Soler et al. 2017. PubMed ID: 28771489). This variant is reported in 0.0057% of alleles in individuals of Latino descent in gnomAD and is interpreted as uncertain in ClinVar (Variation ID: 440368). At this time, the clinical significance of this variant is uncertain due to the absence of conclusive functional and genetic evidence.

Women's Health and Genetics/Laboratory Corporation of America, LabCorp
Classification: Uncertain significance. Last evaluated: 2025-05-23. Review status: criteria provided, single submitter. Criteria: LabCorp Variant Classification Summary - May 2015. Collection method: clinical testing. Allele origin: germline.
Comment: Variant summary: TTN c.81787A>G (p.Lys27263Glu) results in a conservative amino acid change in the encoded protein sequence. Algorithms developed to predict the effect of missense changes on protein structure and function are either unavailable or do not agree on the potential impact of this missense change. The variant allele was found at a frequency of 3.3e-05 in 245838 control chromosomes (gnomAD). The available data on variant occurrences in the general population are insufficient to allow any conclusion about variant significance. c.81787A>G has been observed in one individual affected with Hypertrophic cardiomyopathy (Mademont-SolerI_2017). The report does not provide unequivocal conclusions about association of the variant with Dilated Cardiomyopathy. To our knowledge, no experimental evidence demonstrating an impact on protein function has been reported. The following publication have been ascertained in the context of this evaluation (PMID: 28771489). ClinVar contains an entry for this variant (Variation ID: 440368). Based on the evidence outlined above, the variant was classified as uncertain significance.

Fulgent Genetics
Classification: Uncertain significance for Tibial muscular dystrophy; Myopathy, myofibrillar, 9, with early respiratory failure; Dilated cardiomyopathy 1G; Autosomal recessive limb-girdle muscular dystrophy type 2J; Early-onset myopathy with fatal cardiomyopathy; Hypertrophic cardiomyopathy 9. Last evaluated: 2021-07-20. Review status: criteria provided, single submitter. Criteria: ACMG Guidelines, 2015. Collection method: clinical testing. Allele origin: unknown.

Ambry Genetics
Classification: Uncertain significance for Cardiovascular phenotype. Last evaluated: 2020-01-17. Review status: criteria provided, single submitter. Criteria: Ambry Variant Classification Scheme 2023. Collection method: clinical testing. Allele origin: germline.
Comment: The p.K20766E variant (also known as c.62296A>G), located in coding exon 161 of the TTN gene, results from an A to G substitution at nucleotide position 62296. The lysine at codon 20766 is replaced by glutamic acid, an amino acid with similar properties. This amino acid position is highly conserved in available vertebrate species. In addition, this alteration is predicted to be tolerated by in silico analysis. This alteration was identified in one individual with hypertrophic cardiomyopathy (Mademont-Soler I et al. PLoS ONE, 2017 Aug;12:e0181465). Since supporting evidence is limited at this time, the clinical significance of this alteration remains unclear.

ARUP Laboratories, Molecular Genetics and Genomics, ARUP Laboratories
Classification: Uncertain significance. Last evaluated: 2019-09-23. Review status: criteria provided, single submitter. Criteria: ARUP Molecular Germline Variant Investigation Process. Collection method: clinical testing. Allele origin: germline.
Comment: The p.Lys27263Glu variant (rs774632104) has not been reported in the medical literature, gene specific variation databases, nor has it been previously identified by our laboratory. This variant is listed in the Exome Aggregation Consortium Browser with an overall population frequency of 0.003 percent (identified on 4 out of 116,758 chromosomes). The lysine at position 27263 is highly conserved, up to Megabat (considering 10 species) (Alamut v2.8.1) and computational analyses of the effects of the p.Lys27263Glu variant on protein structure and function provide conflicting results (SIFT: tolerated, MutationTaster: disease causing, PolyPhen-2: probably damaging). Altogether, there is not enough evidence to classify the p.Lys27263Glu variant with certainty.

Literature cited by the submitters: PubMed 28771489 (cited by Women's Health and Genetics/Laboratory Corporation of America, LabCorp and Ambry Genetics).